The following is an entry in ClinVar:

ClinVar aggregate classification (germline): Uncertain significance. Review status: criteria provided, multiple submitters, no conflicts (2 of 4 stars). 2 submissions from 2 submitters: Uncertain significance (2). Last evaluated 2025-11-05.

Allele frequency attached by ClinVar (database versions not stated): gnomAD exomes 0.00001; ExAC 0.00002.
gnomAD v4.1: 22 of 1,613,594 alleles (0.0014%); highest among the groups gnomAD compares: Non-Finnish European, 0.0016%; no homozygotes.

Submissions (2):

Ambry Genetics
Classification: Uncertain significance. Last evaluated: 2025-11-05. Review status: criteria provided, single submitter. Criteria: Ambry Variant Classification Scheme 2023. Collection method: clinical testing. Allele origin: germline.

Labcorp Genetics (formerly Invitae), Labcorp
Classification: Uncertain significance. Last evaluated: 2022-04-04. Review status: criteria provided, single submitter. Criteria: Invitae Variant Classification Sherloc (09022015). Collection method: clinical testing. Allele origin: germline.
Comment: This sequence change replaces arginine, which is basic and polar, with histidine, which is basic and polar, at codon 587 of the DEF6 protein (p.Arg587His). This variant is present in population databases (rs748456257, gnomAD 0.006%). This variant has not been reported in the literature in individuals affected with DEF6-related conditions. Algorithms developed to predict the effect of missense changes on protein structure and function output the following: SIFT: "Deleterious"; PolyPhen-2: "Benign"; Align-GVGD: "Class C0". The histidine amino acid residue is found in multiple mammalian species, which suggests that this missense change does not adversely affect protein function. In summary, the available evidence is currently insufficient to determine the role of this variant in disease. Therefore, it has been classified as a Variant of Uncertain Significance.

NM_022047.4(DEF6):c.1760G>A (p.Arg587His)

Gene: DEF6 (DEF6 guanine nucleotide exchange factor; plus strand). Cytogenetic location: 6p21.31.
Variant type: single nucleotide variant.
Coding change: c.1760G>A on transcript NM_022047.4 (MANE Select); coding-DNA position 1760, G replaced by A.
Protein change: p.Arg587His; replaces arginine 587 with histidine.
Molecular consequence: missense variant.
Genome position (GRCh38, 1-based): chr6:35,321,274, G>A. VCF-style: chr6-35321274-G-A. GRCh37 (hg19) VCF-style: chr6-35289051-G-A.
Other names: c.1760G>A (NM_022047.3); short protein forms R587H.
Identifiers: ClinVar variation 2177620 (VCV002177620.2), dbSNP rs748456257, ClinGen allele CA3771009.